The following is an entry in ClinVar:

ClinVar aggregate classification (germline): Uncertain significance. Review status: criteria provided, multiple submitters, no conflicts (2 of 4 stars). 5 submissions from 5 submitters: Uncertain significance (4). 1 of the submissions does not count toward it. Last evaluated 2025-11-22.

Conditions:
Inborn genetic diseases. Identifiers: MedGen C0950123, MeSH D030342.
Fanconi anemia (FA). Also called: Fanconi's anemia. Identifiers: Orphanet 84, MedGen C0015625, MeSH D005199, MONDO:0019391.

Allele frequency attached by ClinVar (database versions not stated): gnomAD exomes below 0.00001 and 0.00001; gnomAD 0.00001 and 0.00002; TOPMed 0.00003.
gnomAD v4.1: 9 of 1,613,892 alleles (0.00056%); highest among the groups gnomAD compares: Non-Finnish European, 0.00051%; 1 homozygote.

Submissions (5):

Labcorp Genetics (formerly Invitae), Labcorp
Classification: Uncertain significance for Fanconi anemia. Last evaluated: 2025-11-22. Review status: criteria provided, single submitter. Criteria: Invitae Variant Classification Sherloc (09022015). Collection method: clinical testing. Allele origin: germline.
Comment: This sequence change replaces lysine, which is basic and polar, with glutamic acid, which is acidic and polar, at codon 608 of the FANCA protein (p.Lys608Glu). This variant is present in population databases (no rsID available, gnomAD 0.003%). This variant has not been reported in the literature in individuals affected with FANCA-related conditions. ClinVar contains an entry for this variant (Variation ID: 952680). Invitae Evidence Modeling of protein sequence and biophysical properties (such as structural, functional, and spatial information, amino acid conservation, physicochemical variation, residue mobility, and thermodynamic stability) indicates that this missense variant is not expected to disrupt FANCA protein function with a negative predictive value of 95%. In summary, the available evidence is currently insufficient to determine the role of this variant in disease. Therefore, it has been classified as a Variant of Uncertain Significance.

Quest Diagnostics Nichols Institute San Juan Capistrano
Classification: Uncertain significance. Last evaluated: 2025-08-01. Review status: criteria provided, single submitter. Criteria: Quest Diagnostics criteria. Collection method: clinical testing. Allele origin: unknown.
Comment: The FANCA c.1822A>G (p.Lys608Glu) variant has not been reported in individuals with FANCA-related conditions in the published literature. The frequency of this variant in the general population (Genome Aggregation Database) is uninformative in the assessment of its pathogenicity. Analysis of this variant using bioinformatics tools for the prediction of the effect of amino acid changes on protein structure and function yielded predictions that this variant is benign. Based on the available information, we are unable to determine the clinical significance of this variant.

Ambry Genetics
Classification: Uncertain significance for Inborn genetic diseases. Last evaluated: 2025-01-08. Review status: criteria provided, single submitter. Criteria: Ambry Variant Classification Scheme 2023. Collection method: clinical testing. Allele origin: germline.
Comment: The p.K608E variant (also known as c.1822A>G), located in coding exon 20 of the FANCA gene, results from an A to G substitution at nucleotide position 1822. The lysine at codon 608 is replaced by glutamic acid, an amino acid with similar properties. This amino acid position is conserved. In addition, the in silico prediction for this alteration is inconclusive. Based on the available evidence, the clinical significance of this variant remains unclear.

Mendelics
Classification: Uncertain significance. Last evaluated: 2022-05-04. Review status: criteria provided, single submitter. Criteria: Mendelics Assertion Criteria 2019. Collection method: clinical testing. Allele origin: germline.

Natera, Inc.
Classification: Uncertain significance for Fanconi anemia. Last evaluated: 2020-09-18. Review status: no assertion criteria provided. Collection method: clinical testing. Allele origin: germline. Not counted in ClinVar's aggregate classification.

NM_000135.4(FANCA):c.1822A>G (p.Lys608Glu)

Gene: FANCA (FA complementation group A; minus strand). Cytogenetic location: 16q24.3.
Variant type: single nucleotide variant.
Coding change: c.1822A>G on transcript NM_000135.4 (MANE Select); coding-DNA position 1822, A replaced by G.
Protein change: p.Lys608Glu; replaces lysine 608 with glutamic acid.
Molecular consequence: missense variant.
Genome position (GRCh38, 1-based): chr16:89,778,805, T>C on the plus strand (A>G on the coding strand, the complement: FANCA is on the minus strand). VCF-style: chr16-89778805-T-C. GRCh37 (hg19) VCF-style: chr16-89845213-T-C.
Other names: c.1822A>G (NM_000135.3); c.1822A>G, p.Lys608Glu (NM_001286167.3); short protein forms K608E.
Identifiers: ClinVar variation 952680 (VCV000952680.12), dbSNP rs938278864, ClinGen allele CA286573922.
Genomic context (GRCh38, chr16:89,778,805, plus strand): 5'-CGCATTGTCAGAAGAAACCTGGAAGTAGTCATCCCCTTCTAACCGTTGCTGCATACCTCT[T>C]CAGAGACTCTATAAACGCCACACGGGAGTCAGGGACTTTGGGGAGCTGTGGGAAGAGAAG-3'
Protein context (NP_000126.2, residues 598-618): DSRVAFIESL[Lys608Glu]RADKIPPSLY